The following is an entry in ClinVar:

ClinVar aggregate classification (germline): Likely benign. Review status: criteria provided, multiple submitters, no conflicts (2 of 4 stars). 4 submissions from 4 submitters: Likely benign (3). 1 of the submissions does not count toward it. Last evaluated 2026-03-01.

Conditions:
KCTD17-related disorder. Also called: KCTD17-related condition.
Myoclonic dystonia 26. Identifiers: MedGen C4225341, MONDO:0014620, OMIM 616398.

Allele frequency attached by ClinVar (database versions not stated): 1000 Genomes Project 0.00020; 1000 Genomes Project 30x 0.00031; gnomAD exomes 0.00138 and 0.00280; TOPMed 0.00145; gnomAD 0.00150 and 0.00156; ExAC 0.00153; ESP Exome Variant Server 0.00169.
gnomAD v4.1: 4,247 of 1,613,498 alleles (0.26%); highest among the groups gnomAD compares: Non-Finnish European, 0.33%; 12 homozygotes.

Submissions (4):

CeGaT Center for Human Genetics Tuebingen
Classification: Likely benign. Last evaluated: 2026-03-01. Review status: criteria provided, single submitter. Criteria: CeGaT Center For Human Genetics Tuebingen Variant Classification Criteria Version 2. Collection method: clinical testing. Allele origin: germline. Affected: yes. Observed: 3 variant alleles.
Comment: KCTD17: BP4, BS1

Labcorp Genetics (formerly Invitae), Labcorp
Classification: Likely benign for Myoclonic dystonia 26. Last evaluated: 2026-01-27. Review status: criteria provided, single submitter. Criteria: Invitae Variant Classification Sherloc (09022015). Collection method: clinical testing. Allele origin: germline.

Blueprint Genetics
Classification: Likely benign. Last evaluated: 2024-10-09. Review status: criteria provided, single submitter. Criteria: ACMG Guidelines, 2015. Collection method: clinical testing. Allele origin: germline.

PreventionGenetics, part of Exact Sciences
Classification: Likely benign for KCTD17-related condition. Last evaluated: 2020-02-25. Review status: no assertion criteria provided. Collection method: clinical testing. Allele origin: germline. Not counted in ClinVar's aggregate classification.
Comment: This variant is classified as likely benign based on ACMG/AMP sequence variant interpretation guidelines (Richards et al. 2015 PMID: 25741868, with internal and published modifications).

NM_001282684.2(KCTD17):c.916C>G (p.His306Asp)

Gene: KCTD17 (potassium channel tetramerization domain containing 17; plus strand). Cytogenetic location: 22q12.3.
Variant type: single nucleotide variant.
Coding change: c.916C>G on transcript NM_001282684.2 (MANE Select); coding-DNA position 916, C replaced by G.
Protein change: p.His306Asp; replaces histidine 306 with aspartic acid.
Molecular consequence: missense variant. On other transcripts: 3 prime UTR variant (2).
Genome position (GRCh38, 1-based): chr22:37,062,565, C>G. VCF-style: chr22-37062565-C-G. GRCh37 (hg19) VCF-style: chr22-37458605-C-G.
Other names: c.*87C>G (NM_001282685.2); c.*11C>G (NM_001282686.2); c.844C>G, p.His282Asp (NM_024681.4); c.865C>G (NM_024681.3); short protein forms H313D, H282D, H306D.
Identifiers: ClinVar variation 569014 (VCV000569014.38), dbSNP rs146711968, ClinGen allele CA10215206.